The following is an entry in ClinVar:

ClinVar aggregate classification (germline): Uncertain significance (1 of 4 stars; one submission).

Conditions:
Neurodevelopmental disorder with progressive spasticity and brain white matter abnormalities. Also called: CEREBRAL PALSY, SPASTIC QUADRIPLEGIC, 1. Identifiers: Orphanet 210141, Orphanet 641353, MedGen C5436628, MONDO:0033613, OMIM 619026.

Allele frequency attached by ClinVar (database versions not stated): TOPMed 0.00001; ExAC 0.00002; gnomAD exomes 0.00004; ESP Exome Variant Server 0.00008.

Submission:

Labcorp Genetics (formerly Invitae), Labcorp
Classification: Uncertain significance for Neurodevelopmental disorder with progressive spasticity and brain white matter abnormalities. Last evaluated: 2018-07-16. Review status: criteria provided, single submitter. Criteria: Invitae Variant Classification Sherloc (09022015). Collection method: clinical testing. Allele origin: germline.
Comment: In summary, the available evidence is currently insufficient to determine the role of this variant in disease. Therefore, it has been classified as a Variant of Uncertain Significance. This sequence change replaces serine with threonine at codon 12 of the GAD1 protein (p.Ser12Thr). The serine residue is highly conserved and there is a small physicochemical difference between serine and threonine. Algorithms developed to predict the effect of missense changes on protein structure and function are either unavailable or do not agree on the potential impact of this missense change (SIFT: "Deleterious"; PolyPhen-2: "Benign"; Align-GVGD: "Class C0"). This variant has not been reported in the literature in individuals with GAD1-related disease. This variant is present in population databases (rs149074954, ExAC 0.005%).

NM_000817.3(GAD1):c.34T>A (p.Ser12Thr)

Genes: GAD1 (glutamate decarboxylase 1; plus strand), GAD1-AS1 (GAD1 antisense RNA 1; minus strand). Cytogenetic location: 2q31.1.
Variant type: single nucleotide variant.
Coding change: c.34T>A on transcript NM_000817.3 (MANE Select); coding-DNA position 34, T replaced by A.
Protein change: p.Ser12Thr; replaces serine 12 with threonine.
Molecular consequence: missense variant.
Genome position (GRCh38, 1-based): chr2:170,818,625, T>A. VCF-style: chr2-170818625-T-A. GRCh37 (hg19) VCF-style: chr2-171675135-T-A.
Other names: c.34T>A, p.Ser12Thr (NM_013445.4); short protein forms S12T.
Identifiers: ClinVar variation 648983 (VCV000648983.11), dbSNP rs149074954, ClinGen allele CA1962471.
Genomic context (GRCh38, chr2:170,818,625, plus strand): 5'-AGTAGAGGCCCCGGGACGACCGAGCTGATGGCGTCTTCGACCCCATCTTCGTCCGCAACC[T>A]CCTCGAACGCGGGAGCGGACCCCAATACCACTAACCTGCGCCCCACAAGTAGGTCCCGCC-3'
Protein context (NP_000808.2, residues 2-22): ASSTPSSSAT[Ser12Thr]SNAGADPNTT